The following is an entry in ClinVar:

ClinVar aggregate classification (germline): Uncertain significance (1 of 4 stars; one submission).

Conditions:
Cardiovascular phenotype. Identifiers: MedGen CN230736.

Submission:

Ambry Genetics
Classification: Uncertain significance for Cardiovascular phenotype. Last evaluated: 2021-08-02. Review status: criteria provided, single submitter. Criteria: Ambry Variant Classification Scheme 2023. Collection method: clinical testing. Allele origin: germline.
Comment: The p.M327I variant (also known as c.981G>A), located in coding exon 8 of the VCL gene, results from a G to A substitution at nucleotide position 981. The methionine at codon 327 is replaced by isoleucine, an amino acid with highly similar properties. This amino acid position is conserved. In addition, this alteration is predicted to be tolerated by in silico analysis. Since supporting evidence is limited at this time, the clinical significance of this alteration remains unclear.

NM_014000.3(VCL):c.981G>A (p.Met327Ile)

Gene: VCL (vinculin; plus strand). Cytogenetic location: 10q22.2.
Variant type: single nucleotide variant.
Coding change: c.981G>A on transcript NM_014000.3 (MANE Select); coding-DNA position 981, G replaced by A.
Protein change: p.Met327Ile; replaces methionine 327 with isoleucine.
Molecular consequence: missense variant.
Genome position (GRCh38, 1-based): chr10:74,083,472, G>A. VCF-style: chr10-74083472-G-A. GRCh37 (hg19) VCF-style: chr10-75843230-G-A.
Other names: c.981G>A, p.Met327Ile (NM_003373.4); short protein forms M327I.
Identifiers: ClinVar variation 1768315 (VCV001768315.2), dbSNP rs2549219084, ClinGen allele CA377270621.